The following is an entry in ClinVar:

NM_000168.6(GLI3):c.1902A>T (p.Pro634=)

Gene: GLI3 (GLI family zinc finger 3; minus strand). Cytogenetic location: 7p14.1.
Variant type: single nucleotide variant.
Coding change: c.1902A>T on transcript NM_000168.6 (MANE Select); coding-DNA position 1902, A replaced by T.
Protein change: p.Pro634=; no amino-acid change (proline 634 retained).
Molecular consequence: synonymous variant.
Genome position (GRCh38, 1-based): chr7:41,972,538, T>A on the plus strand (A>T on the coding strand, the complement: GLI3 is on the minus strand). VCF-style: chr7-41972538-T-A. GRCh37 (hg19) VCF-style: chr7-42012137-T-A.
Other names: c.1902A>T (NM_000168.5).
Identifiers: ClinVar variation 2922495 (VCV002922495.5), dbSNP rs564676310, ClinGen allele CA4230736.

ClinVar aggregate classification (germline): Benign. Review status: criteria provided, single submitter (1 of 4 stars). 2 submissions from 2 submitters: Benign (1). 1 of the submissions does not count toward it. Last evaluated 2024-02-19.

Conditions:
GLI3-related disorder. Also called: GLI3-related condition; GLI3-related disorders. Identifiers: MedGen CN239292.
Greig cephalopolysyndactyly syndrome (GCPS). Also called: GLI3-Related Greig Cephalopolysyndactyly Syndrome; POLYSYNDACTYLY WITH PECULIAR SKULL SHAPE; Greig syndrome. Identifiers: Orphanet 380, MedGen C0265306, MONDO:0008287, OMIM 175700.
Pallister-Hall syndrome (PHS). Also called: GLI3-Related Pallister-Hall Syndrome; HYPOTHALAMIC HAMARTOBLASTOMA, HYPOPITUITARISM, IMPERFORATE ANUS, AND POSTAXIAL POLYDACTYLY. Identifiers: Orphanet 672, MedGen C0265220, MONDO:0007804, OMIM 146510.

Allele frequency attached by ClinVar (database versions not stated): gnomAD exomes below 0.00001; ExAC 0.00002; gnomAD 0.00002; 1000 Genomes Project 30x 0.00016; 1000 Genomes Project 0.00020.
gnomAD v4.1: 8 of 1,612,788 alleles (0.0005%); highest among the groups gnomAD compares: East Asian, 0.011%; no homozygotes.

Submissions (2):

Labcorp Genetics (formerly Invitae), Labcorp
Classification: Benign for Pallister-Hall syndrome; Greig cephalopolysyndactyly syndrome. Last evaluated: 2024-02-19. Review status: criteria provided, single submitter. Criteria: Invitae Variant Classification Sherloc (09022015). Collection method: clinical testing. Allele origin: germline.

PreventionGenetics, part of Exact Sciences
Classification: Likely benign for GLI3-related condition. Last evaluated: 2022-06-27. Review status: no assertion criteria provided. Collection method: clinical testing. Allele origin: germline. Not counted in ClinVar's aggregate classification.
Comment: This variant is classified as likely benign based on ACMG/AMP sequence variant interpretation guidelines (Richards et al. 2015 PMID: 25741868, with internal and published modifications).